The following is an entry in ClinVar:

Conditions:
Long QT syndrome 5 (LQT5). Identifiers: Orphanet 101016, Orphanet 768, MedGen C1867904, MONDO:0013372, OMIM 613695.

Submission:

Roden Lab, Vanderbilt University Medical Center
No classification provided (evidence only). Condition: Long QT syndrome 5. Review status: no classification provided. Collection method: in vitro. Allele origin: not applicable. Functional consequence: Effect on ion channel function.
ClinVar note: "not provided" was previously submitted as the classification for the variant. However, the classification appeared to be based only on an observation of functional data so it was converted to no classification on 2025-07-30.

NM_000219.6(KCNE1):c.143T>A (p.Leu48His)

Gene: KCNE1 (potassium voltage-gated channel subfamily E regulatory subunit 1; minus strand). Cytogenetic location: 21q22.12.
Variant type: single nucleotide variant.
Coding change: c.143T>A on transcript NM_000219.6 (MANE Select); coding-DNA position 143, T replaced by A.
Protein change: p.Leu48His; replaces leucine 48 with histidine.
Molecular consequence: missense variant.
Genome position (GRCh38, 1-based): chr21:34,449,492, A>T on the plus strand (T>A on the coding strand, the complement: KCNE1 is on the minus strand). VCF-style: chr21-34449492-A-T. GRCh37 (hg19) VCF-style: chr21-35821790-A-T.
Other names: c.143T>A, p.Leu48His (NM_001127668.4, NM_001127669.4, NM_001127670.4 and 4 more transcripts); short protein forms L48H.
Identifiers: ClinVar variation 3374157 (VCV003374157.2).